The following is an entry in ClinVar:

ClinVar aggregate classification (germline): Uncertain significance (1 of 4 stars; one submission).

Conditions:
Inborn genetic diseases. Identifiers: MedGen C0950123, MeSH D030342.

Allele frequency attached by ClinVar (database versions not stated): TOPMed below 0.00001.

Submission:

Ambry Genetics
Classification: Uncertain significance for Inborn genetic diseases. Last evaluated: 2022-07-02. Review status: criteria provided, single submitter. Criteria: Ambry Variant Classification Scheme 2023. Collection method: clinical testing. Allele origin: germline.
Comment: The p.N1032K variant (also known as c.3096C>G), located in coding exon 23 of the BUB1B gene, results from a C to G substitution at nucleotide position 3096. The asparagine at codon 1032 is replaced by lysine, an amino acid with similar properties. This amino acid position is conserved. In addition, this alteration is predicted to be tolerated by in silico analysis. Since supporting evidence is limited at this time, the clinical significance of this alteration remains unclear.

NM_001211.6(BUB1B):c.3096C>G (p.Asn1032Lys)

Genes: BUB1B (BUB1 mitotic checkpoint serine/threonine kinase B; plus strand), BUB1B-PAK6 (BUB1B-PAK6 readthrough; plus strand). Cytogenetic location: 15q15.1.
Variant type: single nucleotide variant.
Coding change: c.3096C>G on transcript NM_001211.6 (MANE Select); coding-DNA position 3096, C replaced by G.
Protein change: p.Asn1032Lys; replaces asparagine 1032 with lysine.
Molecular consequence: missense variant. On other transcripts: intron variant (2).
Genome position (GRCh38, 1-based): chr15:40,220,702, C>G. VCF-style: chr15-40220702-C-G. GRCh37 (hg19) VCF-style: chr15-40512903-C-G.
Other names: c.-201+3035C>G (NM_001128628.3); c.-118+3035C>G (NM_001128629.3); short protein forms N1032K.
Identifiers: ClinVar variation 1727513 (VCV001727513.2), dbSNP rs2037890427, ClinGen allele CA391690291.
Genomic context (GRCh38, chr15:40,220,702, plus strand): 5'-TGGGGAGCTTGCAGCAGAAATGAATGGGGTTTTTGACACTACATTCCAAAGTCACCTGAA[C>G]AAAGCCTTATGGAAGGTAGGGAAGTTAACTAGTCCTGGGGCTTTGCTCTTTCAGTGAGCT-3'
Protein context (NP_001202.5, residues 1022-1042): VFDTTFQSHL[Asn1032Lys]KALWKVGKLT